The following is an entry in ClinVar:

ClinVar aggregate classification (germline): Uncertain significance (1 of 4 stars; one submission).

Conditions:
Hereditary cancer-predisposing syndrome. Also called: Hereditary neoplastic syndrome; Neoplastic Syndromes, Hereditary; Tumor predisposition; Hereditary Cancer Syndrome. Identifiers: Orphanet 140162, MedGen C0027672, MeSH D009386, MONDO:0015356.

Submission:

Ambry Genetics
Classification: Uncertain significance for Hereditary cancer-predisposing syndrome. Last evaluated: 2025-03-03. Review status: criteria provided, single submitter. Criteria: Ambry Variant Classification Scheme 2023. Collection method: clinical testing. Allele origin: germline.
Comment: The p.I676M variant (also known as c.2028C>G), located in coding exon 11 of the ALK gene, results from a C to G substitution at nucleotide position 2028. The isoleucine at codon 676 is replaced by methionine, an amino acid with highly similar properties. This amino acid position is conserved. In addition, this alteration is predicted to be tolerated by in silico analysis. Based on the available evidence, the clinical significance of this variant remains unclear.

NM_004304.5(ALK):c.2028C>G (p.Ile676Met)

Gene: ALK (ALK receptor tyrosine kinase; minus strand). Cytogenetic location: 2p23.2.
Variant type: single nucleotide variant.
Coding change: c.2028C>G on transcript NM_004304.5 (MANE Select); coding-DNA position 2028, C replaced by G.
Protein change: p.Ile676Met; replaces isoleucine 676 with methionine.
Molecular consequence: missense variant.
Genome position (GRCh38, 1-based): chr2:29,275,112, G>C on the plus strand (C>G on the coding strand, the complement: ALK is on the minus strand). VCF-style: chr2-29275112-G-C. GRCh37 (hg19) VCF-style: chr2-29497978-G-C.
Other names: short protein forms I676M.
Identifiers: ClinVar variation 3854234 (VCV003854234.1).